The following is an entry in ClinVar:

NM_001102416.3(KNG1):c.942del (p.Lys315fs)

Gene: KNG1 (kininogen 1; plus strand). Cytogenetic location: 3q27.3.
Variant type: Deletion.
Coding change: c.942del on transcript NM_001102416.3 (MANE Select); coding-DNA position 942, one base deleted (C; older notation c.942delC).
Protein change: p.Lys315fs; shifts the reading frame from lysine 315.
Molecular consequence: frameshift variant.
Genome position (GRCh38, 1-based): chr3:186,739,110, C deleted. VCF-style (leftmost placement, unchanged base first): chr3-186739109-GC-G. GRCh37 (hg19) VCF-style: chr3-186456898-GC-G.
Other names: c.942del, p.Lys315fs (NM_000893.4); c.834del, p.Lys279fs (NM_001166451.2); short protein forms K279fs, K315fs.
Identifiers: ClinVar variation 4880553 (VCV004880553.2).

ClinVar aggregate classification (germline): Likely pathogenic (1 of 4 stars; one submission).

Submission:

Dasa
Classification: Likely pathogenic. Last evaluated: 2026-02-27. Review status: criteria provided, single submitter. Criteria: DASA Assertion Criteria. Collection method: clinical testing. Allele origin: germline.
Comment: NM_001102416.3(KNG1):c.942del (p.Lys315Argfs*22) is a frameshift variant in KNG1 predicted to alter the reading frame and introduce a premature termination codon and is predicted to result in an absent or altered protein product. Loss of function is an established disease mechanism for KNG1-associated disorders. Also, this variant is rare in population databases. Based on the currently available evidence, this variant is classified as likely pathogenic.